The following is an entry in ClinVar:

NM_000018.4(ACADVL):c.308_309del (p.Lys103fs)

Gene: ACADVL (acyl-CoA dehydrogenase very long chain; plus strand). Cytogenetic location: 17p13.1.
Variant type: Deletion.
Coding change: c.308_309del on transcript NM_000018.4 (MANE Select); coding-DNA positions 308 to 309, 2 bases deleted (AA; older notation c.308_309delAA).
Protein change: p.Lys103fs; shifts the reading frame from lysine 103.
Molecular consequence: frameshift variant.
Genome position (GRCh38, 1-based): chr17:7,220,796-7,220,797, AA deleted; deleting any 2 consecutive bases within chr17:7,220,795-7,220,797 gives the same sequence; the c. name uses the placement nearest the transcript's 3' end. VCF-style (leftmost placement, unchanged base first): chr17-7220794-TAA-T. GRCh37 (hg19) VCF-style: chr17-7124113-TAA-T.
Other names: NM_000018.4(ACADVL):c.308_309del; p.Lys103fs; c.308_309del (NM_000018.3); c.242_243del, p.Lys81fs (NM_001033859.3); c.377_378del, p.Lys126fs (NM_001270447.2); c.80_81del, p.Lys27fs (NM_001270448.2); c.308_309delAA (NM_000018.2); short protein forms K81fs, K126fs, K27fs, K103fs.
Identifiers: ClinVar variation 371068 (VCV000371068.25), dbSNP rs1057516979, ClinGen allele CA16041859.
Genomic context (GRCh38, chr17:7,220,794, plus strand): 5'-GGCCTGACCAGCCTGTCCCCCACCCTCTGCAGTGCTCAACGAAGAGCAGACACAGTTTCT[TAA>T]AGAGCTGGTGGAGCCTGTGTCCCGTTTCTTCGAGGTAAGGAATGACTCGGGGCTTGGTCC-3'

ClinVar aggregate classification (germline): Likely pathogenic. Review status: reviewed by expert panel (3 of 4 stars). 8 submissions from 8 submitters: Likely pathogenic (1). 7 of the submissions do not count toward it. Last evaluated 2022-05-10.

Conditions:
Very long chain acyl-CoA dehydrogenase deficiency (ACADVLD). Also called: VLCAD Deficiency; Very Long-Chain Acyl-Coenzyme A Dehydrogenase Deficiency. Identifiers: Orphanet 26793, MedGen C3887523, MONDO:0008723, OMIM 201475.

Submissions (8):

ClinGen ACADVL Variant Curation Expert Panel, ClinGen
Classification: Likely pathogenic for Very long chain acyl-CoA dehydrogenase deficiency. Last evaluated: 2022-05-10. Review status: reviewed by expert panel. Criteria: clingen acadvl acmg specifications v1. Collection method: curation. Allele origin: germline. Inheritance: Autosomal recessive inheritance.
Comment: The c.308_309del (p.Lys103Argfs*20) variant in ACADVL is a frameshift variant predicted to cause a premature stop codon in biologically-relevant-exon 6/20 leading to nonsense mediated decay in a gene in which loss-of-function is an established disease mechanism (PVS1; PMIDs: 9973285, 11590124). This variant has been detected in one individual identified by abnormal newborn screening or presumed positive on newborn screening for very long chain acyl CoA dehydrogenase (VLCAD) deficiency with no reported follow-up plasma acylcarnitine or enzyme activity; a second distinct pathogenic or likely pathogenic variant in ACADVL was not reported in this individual (PMID: 26385305). This variant is absent from gnomAD v2.1.1 (PM2_Supporting). To our knowledge, functional assays have not been reported for this variant. In summary, this variant meets the criteria to be classified as LIKELY PATHOGENIC for autosomal recessive very long chain acyl-CoA dehydrogenase (VLCAD) deficiency based on the ACMG/AMP criteria applied, as specified by the ClinGen ACADVL Variant Curation Expert Panel: PVS1, PM2_Supporting (ClinGen ACADVL VCEP specifications version#2; 05-00-2022).

Natera, Inc.
Classification: Likely pathogenic for Very long chain acyl-CoA dehydrogenase deficiency. Last evaluated: 2025-05-02. Review status: criteria provided, single submitter. Criteria: Natera Variant Classification Schema (03/2026). Collection method: clinical testing. Allele origin: germline. Not counted in ClinVar's aggregate classification.
Comment: The c.308_309del variant in ACADVL is a frameshift variant predicted to shift the reading frame beginning at codon 103 and leads to a stop codon 20 codons downstream. This variant is expected to result in nonsense mediated decay, truncation, or a dysfunctional protein product. This variant is rare in the general population with a frequency below the threshold expected for the associated phenotype(s). Given the available evidence, this variant is classified as Likely Pathogenic.

Labcorp Genetics (formerly Invitae), Labcorp
Classification: Pathogenic for Very long chain acyl-CoA dehydrogenase deficiency. Last evaluated: 2024-12-28. Review status: criteria provided, single submitter. Criteria: Invitae Variant Classification Sherloc (09022015). Collection method: clinical testing. Allele origin: germline. Not counted in ClinVar's aggregate classification.
Comment: This sequence change creates a premature translational stop signal (p.Lys103Argfs*20) in the ACADVL gene. It is expected to result in an absent or disrupted protein product. Loss-of-function variants in ACADVL are known to be pathogenic (PMID: 9973285, 11590124). This variant is not present in population databases (gnomAD no frequency). This premature translational stop signal has been observed in individual(s) with abnormal newborn screening results suggestive of VLCADD (PMID: 26385305). ClinVar contains an entry for this variant (Variation ID: 371068). For these reasons, this variant has been classified as Pathogenic.

Fulgent Genetics
Classification: Likely pathogenic for Very long chain acyl-CoA dehydrogenase deficiency. Last evaluated: 2024-06-07. Review status: criteria provided, single submitter. Criteria: ACMG Guidelines, 2015. Collection method: clinical testing. Allele origin: germline. Not counted in ClinVar's aggregate classification.

Baylor Genetics
Classification: Likely pathogenic for Very long chain acyl-CoA dehydrogenase deficiency. Last evaluated: 2024-02-13. Review status: criteria provided, single submitter. Criteria: ACMG Guidelines, 2015. Collection method: clinical testing. Allele origin: unknown. Not counted in ClinVar's aggregate classification.

GeneDx
Classification: Pathogenic. Last evaluated: 2022-05-01. Review status: criteria provided, single submitter. Criteria: GeneDx Variant Classification Process June 2021. Collection method: clinical testing. Allele origin: germline. Affected: yes. Not counted in ClinVar's aggregate classification.
Comment: Reported in a single allele from a cohort of patients referred for analysis of the ACADVL gene after a positive newborn screening result (Miller MJ et al. 2015); Not observed at significant frequency in large population cohorts (gnomAD); Frameshift variant predicted to result in protein truncation or nonsense mediated decay in a gene for which loss-of-function is a known mechanism of disease; This variant is associated with the following publications: (PMID: 26385305, 27535533)

Wong Mito Lab, Molecular and Human Genetics, Baylor College of Medicine
Classification: Pathogenic for Very long chain acyl-CoA dehydrogenase deficiency. Last evaluated: 2019-11-01. Review status: criteria provided, single submitter. Criteria: ACMG Guidelines, 2015. Collection method: clinical testing. Allele origin: germline. Not counted in ClinVar's aggregate classification.
Comment: The NM_000018.3:c.308_309delAA (NP_000009.1:p.Lys103ArgfsTer20) [GRCH38: NC_000017.11:g.7220796_7220797del] variant in ACADVL gene is interpretated to be Pathogenic based on ACMG guidelines (PMID: 25741868). This variant has been reported. This variant meets the following evidence codes reported in the ACMG guidelines: PVS1, PS3

Counsyl
Classification: Likely pathogenic for Very long chain acyl-CoA dehydrogenase deficiency. Last evaluated: 2016-06-21. Review status: no assertion criteria provided. Collection method: clinical testing. Allele origin: unknown. Not counted in ClinVar's aggregate classification.

Literature cited by the submitters: PubMed 9973285 (cited by Labcorp Genetics (formerly Invitae), Labcorp); PubMed 11590124 (cited by Labcorp Genetics (formerly Invitae), Labcorp); PubMed 26385305 (cited by Labcorp Genetics (formerly Invitae), Labcorp and Counsyl).